The following is an entry in ClinVar:

NM_000059.4(BRCA2):c.9346C>G (p.Pro3116Ala)

Gene: BRCA2 (BRCA2 DNA repair associated; plus strand). Cytogenetic location: 13q13.1.
Variant type: single nucleotide variant.
Coding change: c.9346C>G on transcript NM_000059.4 (MANE Select); coding-DNA position 9346, C replaced by G.
Protein change: p.Pro3116Ala; replaces proline 3116 with alanine.
Molecular consequence: missense variant. On other transcripts: non-coding transcript variant (1).
Genome position (GRCh38, 1-based): chr13:32,394,778, C>G. VCF-style: chr13-32394778-C-G. GRCh37 (hg19) VCF-style: chr13-32968915-C-G.
Other names: c.9250C>G, p.Pro3084Ala (NM_001406719.1); c.9295C>G, p.Pro3099Ala (NM_001406720.1); c.4414C>G, p.Pro1472Ala (NM_001406721.1); c.2929C>G, p.Pro977Ala (NM_001406722.1); c.9346C>G, p.Pro3116Ala (NM_001432077.1); short protein forms P977A, P1472A, P3084A, P3099A, P3116A.
Identifiers: ClinVar variation 4215749 (VCV004215749.1).

ClinVar aggregate classification (germline): Uncertain significance (1 of 4 stars; one submission).

Conditions:
Hereditary cancer-predisposing syndrome. Also called: Hereditary Cancer Syndrome; Hereditary neoplastic syndrome; Neoplastic Syndromes, Hereditary; Tumor predisposition. Identifiers: Orphanet 140162, MedGen C0027672, MeSH D009386, MONDO:0015356.

Submission:

Ambry Genetics
Classification: Uncertain significance for Hereditary cancer-predisposing syndrome. Last evaluated: 2025-06-24. Review status: criteria provided, single submitter. Criteria: Ambry Variant Classification Scheme 2023. Collection method: clinical testing. Allele origin: germline.
Comment: The p.P3116A variant (also known as c.9346C>G), located in coding exon 24 of the BRCA2 gene, results from a C to G substitution at nucleotide position 9346. The proline at codon 3116 is replaced by alanine, an amino acid with highly similar properties. This amino acid position is conserved. In addition, the in silico prediction for this alteration is inconclusive. Based on the available evidence, the clinical significance of this variant remains unclear.